The following is an entry in ClinVar:

NM_033100.4(CDHR1):c.1861G>A (p.Asp621Asn)

Gene: CDHR1 (cadherin related family member 1; plus strand). Cytogenetic location: 10q23.1.
Variant type: single nucleotide variant.
Coding change: c.1861G>A on transcript NM_033100.4 (MANE Select); coding-DNA position 1861, G replaced by A.
Protein change: p.Asp621Asn; replaces aspartic acid 621 with asparagine.
Molecular consequence: missense variant.
Genome position (GRCh38, 1-based): chr10:84,213,169, G>A. VCF-style: chr10-84213169-G-A. GRCh37 (hg19) VCF-style: chr10-85972925-G-A.
Other names: c.1861G>A, p.Asp621Asn (NM_001171971.3); short protein forms D621N.
Identifiers: ClinVar variation 1904960 (VCV001904960.3), dbSNP rs766894087, ClinGen allele CA5580076.

ClinVar aggregate classification (germline): Uncertain significance (1 of 4 stars; one submission).

Allele frequency attached by ClinVar (database versions not stated): ExAC 0.00001; gnomAD 0.00003; TOPMed 0.00003; gnomAD exomes 0.00004.
gnomAD v4.1: 62 of 1,614,088 alleles (0.0038%); highest among the groups gnomAD compares: Non-Finnish European, 0.0049%; no homozygotes.

Submission:

Labcorp Genetics (formerly Invitae), Labcorp
Classification: Uncertain significance. Last evaluated: 2022-01-03. Review status: criteria provided, single submitter. Criteria: Invitae Variant Classification Sherloc (09022015). Collection method: clinical testing. Allele origin: germline.
Comment: In summary, the available evidence is currently insufficient to determine the role of this variant in disease. Therefore, it has been classified as a Variant of Uncertain Significance. Advanced modeling of protein sequence and biophysical properties (such as structural, functional, and spatial information, amino acid conservation, physicochemical variation, residue mobility, and thermodynamic stability) performed at Invitae indicates that this missense variant is not expected to disrupt CDHR1 protein function. This variant has not been reported in the literature in individuals affected with CDHR1-related conditions. This variant is present in population databases (rs766894087, gnomAD 0.003%). This sequence change replaces aspartic acid, which is acidic and polar, with asparagine, which is neutral and polar, at codon 621 of the CDHR1 protein (p.Asp621Asn).